The following is an entry in ClinVar:

ClinVar aggregate classification (germline): Pathogenic (1 of 4 stars; one submission).

Conditions:
Ataxia-telangiectasia syndrome (AT). Also called: Ataxia-telangiectasia; LOUIS-BAR SYNDROME; Ataxia-telangiectasia, complementation group D; AT, COMPLEMENTATION GROUP C; ATAXIA-TELANGIECTASIA, COMPLEMENTATION GROUP A; ATAXIA-TELANGIECTASIA, FRESNO VARIANT. Identifiers: Orphanet 100, MedGen C0004135, MONDO:0008840, OMIM 208900.

Submission:

Labcorp Genetics (formerly Invitae), Labcorp
Classification: Pathogenic for Ataxia-telangiectasia syndrome. Last evaluated: 2021-10-08. Review status: criteria provided, single submitter. Criteria: Invitae Variant Classification Sherloc (09022015). Collection method: clinical testing. Allele origin: germline.
Comment: For these reasons, this variant has been classified as Pathogenic. This variant has not been reported in the literature in individuals affected with ATM-related conditions. This variant is not present in population databases (ExAC no frequency). This sequence change creates a premature translational stop signal (p.Leu2535Profs*5) in the ATM gene. It is expected to result in an absent or disrupted protein product. Loss-of-function variants in ATM are known to be pathogenic (PMID: 23807571, 25614872).

Literature cited by the submitters: PubMed 23807571; PubMed 25614872.

NM_000051.4(ATM):c.7603dup (p.Leu2535fs)

Genes: ATM (ATM serine/threonine kinase; plus strand), C11orf65 (chromosome 11 open reading frame 65; minus strand). Cytogenetic location: 11q22.3.
Variant type: Duplication.
Coding change: c.7603dup on transcript NM_000051.4 (MANE Select); coding-DNA position 7603, one base duplicated (C; older notation c.7603dupC).
Protein change: p.Leu2535fs; shifts the reading frame from leucine 2535.
Molecular consequence: frameshift variant. On other transcripts: non-coding transcript variant (1), intron variant (2).
Genome position (GRCh38, 1-based): chr11:108,331,531, C duplicated; the last of 2 consecutive C bases (chr11:108,331,530-108,331,531); duplicating either gives the same sequence. VCF-style (leftmost placement, unchanged base first): chr11-108331529-G-GC. GRCh37 (hg19) VCF-style: chr11-108202256-G-GC.
Other names: c.7603dup, p.Leu2535fs (NM_001351834.2); c.641-22459dup (NM_001330368.2); c.*38+3690dup (NM_001351110.2); short protein forms L2535fs.
Identifiers: ClinVar variation 1456078 (VCV001456078.8), dbSNP rs2136497534, ClinGen allele CA2573146728.